The following is an entry in ClinVar:

NM_001042492.3(NF1):c.5775A>T (p.Glu1925Asp)

Gene: NF1 (neurofibromin 1; plus strand). Cytogenetic location: 17q11.2.
Variant type: single nucleotide variant.
Coding change: c.5775A>T on transcript NM_001042492.3 (MANE Select); coding-DNA position 5775, A replaced by T.
Protein change: p.Glu1925Asp; replaces glutamic acid 1925 with aspartic acid.
Molecular consequence: missense variant.
Genome position (GRCh38, 1-based): chr17:31,330,461, A>T. VCF-style: chr17-31330461-A-T. GRCh37 (hg19) VCF-style: chr17-29657479-A-T.
Other names: c.5712A>T, p.Glu1904Asp (NM_000267.4); short protein forms E1904D, E1925D.
Identifiers: ClinVar variation 1513785 (VCV001513785.8), dbSNP rs2151544922, ClinGen allele CA399010445.

ClinVar aggregate classification (germline): Uncertain significance (1 of 4 stars; one submission).

Conditions:
Neurofibromatosis, type 1 (NF1). Also called: Neurofibromatosis, type I; Peripheral type neurofibromatosis; VON RECKLINGHAUSEN DISEASE; NEUROFIBROMATOSIS, TYPE I, SOMATIC. Identifiers: Orphanet 636, MedGen C0027831, MONDO:0018975, OMIM 162200. Disease mechanism: loss of function.

Submission:

Labcorp Genetics (formerly Invitae), Labcorp
Classification: Uncertain significance for Neurofibromatosis, type 1. Last evaluated: 2021-06-17. Review status: criteria provided, single submitter. Criteria: Invitae Variant Classification Sherloc (09022015). Collection method: clinical testing. Allele origin: germline.
Comment: This sequence change replaces glutamic acid with aspartic acid at codon 1904 of the NF1 protein (p.Glu1904Asp). The glutamic acid residue is moderately conserved and there is a small physicochemical difference between glutamic acid and aspartic acid. This variant is not present in population databases (ExAC no frequency). This variant has not been reported in the literature in individuals with NF1-related conditions. Algorithms developed to predict the effect of missense changes on protein structure and function are either unavailable or do not agree on the potential impact of this missense change (SIFT: "Tolerated"; PolyPhen-2: "Probably Damaging"; Align-GVGD: "Class C0"). In summary, the available evidence is currently insufficient to determine the role of this variant in disease. Therefore, it has been classified as a Variant of Uncertain Significance.